The following is an entry in ClinVar:

NM_014714.4(IFT140):c.984_985insG (p.Cys329fs)

Genes: IFT140 (intraflagellar transport 140; minus strand), LOC105371046 (uncharacterized LOC105371046; plus strand). Cytogenetic location: 16p13.3.
Variant type: Insertion.
Coding change: c.984_985insG on transcript NM_014714.4 (MANE Select); coding-DNA positions 984 to 985, G inserted.
Protein change: p.Cys329fs; shifts the reading frame from cysteine 329.
Molecular consequence: frameshift variant.
Genome position: GRCh38 VCF-style: chr16-1587222-A-AC. GRCh37 (hg19) VCF-style: chr16-1637223-A-AC.
Other names: short protein forms C329fs.
Identifiers: ClinVar variation 3066099 (VCV003066099.1), dbSNP rs2507865187, ClinGen allele CA2740098069.
Genomic context (GRCh38, chr16:1,587,222, plus strand): 5'-GTTCTGTTTCTCTTGTGCCAGGCCAGGAAGCCTCACCTTTGACTTTACAGTAACACACAC[A>AC]GTTCATATTCTCTCCTTTCTCAAAGCCAAACTTCTCATCTGGACTCAGTATATAATTCTC-3'

ClinVar aggregate classification (germline): Likely pathogenic (1 of 4 stars; one submission).

Conditions:
Retinitis pigmentosa 80 (RP80). Identifiers: MedGen C4540439, MONDO:0054708, OMIM 617781.

Submission:

MVZ Medizinische Genetik Mainz
Classification: Likely pathogenic for Retinitis pigmentosa 80. Last evaluated: 2023-09-26. Review status: criteria provided, single submitter. Criteria: UK Practice Guidelines For Variant Classification V4 01 2020. Collection method: clinical testing. Allele origin: germline. Inheritance: Autosomal dominant inheritance. Affected: yes. Observed: 2 variant alleles.
Comment: ACMG Criteria: PVS1,PM2_SUP